The following is an entry in ClinVar:

ClinVar aggregate classification (germline): Uncertain significance (1 of 4 stars; one submission).

Allele frequency attached by ClinVar (database versions not stated): gnomAD 0.00001.

Submission:

Labcorp Genetics (formerly Invitae), Labcorp
Classification: Uncertain significance. Last evaluated: 2021-03-16. Review status: criteria provided, single submitter. Criteria: Invitae Variant Classification Sherloc (09022015). Collection method: clinical testing. Allele origin: germline.
Comment: In summary, the available evidence is currently insufficient to determine the role of this variant in disease. Therefore, it has been classified as a Variant of Uncertain Significance. Experimental studies and prediction algorithms are not available or were not evaluated, and the functional significance of this variant is currently unknown. This variant has not been reported in the literature in individuals with ERCC2-related conditions. This variant is present in population databases (rs764073718, ExAC 0.004%). This sequence change affects the initiator methionine of the ERCC2 mRNA. The next in-frame methionine is located at codon 25.

NM_000400.4(ERCC2):c.2T>C (p.Met1Thr)

Gene: ERCC2 (ERCC excision repair 2, TFIIH core complex helicase subunit; minus strand). Cytogenetic location: 19q13.32.
Variant type: single nucleotide variant.
Coding change: c.2T>C on transcript NM_000400.4 (MANE Select); coding-DNA position 2, T replaced by C.
Protein change: p.Met1Thr; changes the start codon (methionine 1).
Molecular consequence: missense variant, initiator codon variant. On other transcripts: 5 prime UTR variant (1).
Genome position (GRCh38, 1-based): chr19:45,370,539, A>G on the plus strand (T>C on the coding strand, the complement: ERCC2 is on the minus strand). VCF-style: chr19-45370539-A-G. GRCh37 (hg19) VCF-style: chr19-45873797-A-G.
Other names: c.-374T>C (NM_001130867.2); short protein forms M1T.
Identifiers: ClinVar variation 1500861 (VCV001500861.8), dbSNP rs764073718, ClinGen allele CA9513993.